The following is an entry in ClinVar:

ClinVar aggregate classification (germline): Uncertain significance (1 of 4 stars; one submission).

Conditions:
Dilated cardiomyopathy 1O (CMD1O). Also called: CARDIOMYOPATHY, DILATED, WITH VENTRICULAR TACHYCARDIA. Identifiers: Orphanet 154, MedGen C1837839, MONDO:0012062, OMIM 608569.

Submission:

Labcorp Genetics (formerly Invitae), Labcorp
Classification: Uncertain significance for Dilated cardiomyopathy 1O. Last evaluated: 2025-12-09. Review status: criteria provided, single submitter. Criteria: Invitae Variant Classification Sherloc (09022015). Collection method: clinical testing. Allele origin: germline.
Comment: This sequence change falls in intron 26 of the ABCC9 gene. It does not directly change the encoded amino acid sequence of the ABCC9 protein. This variant is not present in population databases (gnomAD no frequency). This variant has not been reported in the literature in individuals affected with ABCC9-related conditions. Algorithms developed to predict the effect of sequence changes on RNA splicing suggest that this variant may disrupt the consensus splice site. In summary, the available evidence is currently insufficient to determine the role of this variant in disease. Therefore, it has been classified as a Variant of Uncertain Significance.

NM_020297.4(ABCC9):c.3316-12C>G

Gene: ABCC9 (ATP binding cassette subfamily C member 9; minus strand). Cytogenetic location: 12p12.1.
Variant type: single nucleotide variant.
Coding change: c.3316-12C>G on transcript NM_020297.4 (MANE Select); 12 bases into the intron before coding-DNA position 3316, C replaced by G.
Molecular consequence: intron variant.
Genome position (GRCh38, 1-based): chr12:21,842,483, G>C on the plus strand (C>G on the coding strand, the complement: ABCC9 is on the minus strand). VCF-style: chr12-21842483-G-C. GRCh37 (hg19) VCF-style: chr12-21995417-G-C.
Other names: c.2449-12C>G (NM_001377274.1); c.3316-12C>G (NM_005691.4, NM_001377273.1).
Identifiers: ClinVar variation 4732294 (VCV004732294.1).